The following is an entry in ClinVar:

NM_006031.6(PCNT):c.6872G>A (p.Trp2291Ter)

Gene: PCNT (pericentrin; plus strand). Cytogenetic location: 21q22.3.
Variant type: single nucleotide variant.
Coding change: c.6872G>A on transcript NM_006031.6 (MANE Select); coding-DNA position 6872, G replaced by A.
Protein change: p.Trp2291Ter; replaces tryptophan 2291 with a stop codon.
Molecular consequence: nonsense.
Genome position (GRCh38, 1-based): chr21:46,416,790, G>A. VCF-style: chr21-46416790-G-A. GRCh37 (hg19) VCF-style: chr21-47836704-G-A.
Other names: c.6518G>A, p.Trp2173Ter (NM_001315529.2); short protein forms W2173*, W2291*.
Identifiers: ClinVar variation 2762741 (VCV002762741.3), dbSNP rs2518831035, ClinGen allele CA410564922.
Genomic context (GRCh38, chr21:46,416,790, plus strand): 5'-CCCAGGGGCCGGGGCTGCTTTGTTCCCCAGGCGTGTCTGCAGCAGCGCTGGCACTGCAGT[G>A]GGCCGAGTCTCCGCCGGCTGACGACCACCATGTGCAGAGGACGGCTGTGGTAGGTGCCTG-3'

ClinVar aggregate classification (germline): Pathogenic (1 of 4 stars; one submission).

Submission:

Labcorp Genetics (formerly Invitae), Labcorp
Classification: Pathogenic. Last evaluated: 2023-09-22. Review status: criteria provided, single submitter. Criteria: Invitae Variant Classification Sherloc (09022015). Collection method: clinical testing. Allele origin: germline.
Comment: For these reasons, this variant has been classified as Pathogenic. This variant has not been reported in the literature in individuals affected with PCNT-related conditions. This variant is not present in population databases (gnomAD no frequency). This sequence change creates a premature translational stop signal (p.Trp2291*) in the PCNT gene. It is expected to result in an absent or disrupted protein product. Loss-of-function variants in PCNT are known to be pathogenic (PMID: 18174396, 22821869).

Literature cited by the submitters: PubMed 18174396; PubMed 22821869.